The following is an entry in ClinVar:

NM_001734.5(C1S):c.-74-18A>C

Gene: C1S (complement C1s; plus strand). Cytogenetic location: 12p13.31.
Variant type: single nucleotide variant.
Coding change: c.-74-18A>C on transcript NM_001734.5 (MANE Select); 18 bases into the intron before 74 bases upstream of the start codon, A replaced by C.
Molecular consequence: intron variant. On other transcripts: 5 prime UTR variant (2).
Genome position (GRCh38, 1-based): chr12:7,061,821, A>C. VCF-style: chr12-7061821-A-C. GRCh37 (hg19) VCF-style: chr12-7169125-A-C.
Other names: c.-385A>C (NM_001346850.2); c.-92A>C (NM_201442.4).
Identifiers: ClinVar variation 4848835 (VCV004848835.1).
Genomic context (GRCh38, chr12:7,061,821, plus strand): 5'-AGCCCCAGGTGACGCCGCACCACCAAAGAAGGTGCTTGTGTTTGTCAGACAAATACAGCC[A>C]GGCCTGCCACCCCTTAGGCTCCAAAGTCCGGAGGTGCAGAAAGCCAGGACCAAGAGACAG-3'

ClinVar aggregate classification (germline): Benign (1 of 4 stars; one submission).

gnomAD v4.1: 298 of 1,419,220 alleles (0.021%); highest among the groups gnomAD compares: African/African-American, 0.37%; 1 homozygote.

Submission:

Women's Health and Genetics/Laboratory Corporation of America, LabCorp
Classification: Benign. Last evaluated: 2026-04-07. Review status: criteria provided, single submitter. Criteria: LabCorp Variant Classification Summary - May 2015. Collection method: clinical testing. Allele origin: germline.
Comment: Variant summary: C1S c.-74-18A>C is located in the untranslated mRNA region upstream of the initiation codon. Consensus agreement among computation tools predict no significant impact on normal splicing. However, these predictions have yet to be confirmed by functional studies. The variant allele was found at a frequency of 0.00028 in 246712 control chromosomes, predominantly at a frequency of 0.0042 within the African or African-American subpopulation in the gnomAD database. The observed variant frequency within African or African-American control individuals in the gnomAD database exceeds the estimated maximal expected allele frequency for disease-causing variants in C1S. To our knowledge, no occurrence of c.-74-18A>C in individuals affected with C1S-related conditions and no experimental evidence demonstrating its impact on protein function have been reported. No submitters have cited clinical-significance assessments for this variant to ClinVar. Based on the evidence outlined above, the variant was classified as benign.